The following is an entry in ClinVar:

ClinVar aggregate classification (germline): Uncertain significance. Review status: criteria provided, multiple submitters, no conflicts (2 of 4 stars). 2 submissions from 2 submitters: Uncertain significance (2). Last evaluated 2023-07-20.

Conditions:
Charcot-Marie-Tooth disease axonal type 2O. Also called: CHARCOT-MARIE-TOOTH NEUROPATHY, AXONAL, TYPE 2O; CHARCOT-MARIE-TOOTH DISEASE, AXONAL, AUTOSOMAL DOMINANT, TYPE 2O; Charcot-Marie-Tooth disease, axonal, type 20; Charcot-Marie-Tooth Neuropathy Type 2O. Identifiers: Orphanet 284232, MedGen C3280220, MONDO:0013644, OMIM 614228.

Allele frequency attached by ClinVar (database versions not stated): gnomAD 0.00001; TOPMed 0.00001.
gnomAD v4.1: 5 of 1,613,994 alleles (0.00031%); highest among the groups gnomAD compares: Non-Finnish European, 0.00042%; no homozygotes.

Submissions (2):

Labcorp Genetics (formerly Invitae), Labcorp
Classification: Uncertain significance for Charcot-Marie-Tooth disease axonal type 2O. Last evaluated: 2023-07-20. Review status: criteria provided, single submitter. Criteria: Invitae Variant Classification Sherloc (09022015). Collection method: clinical testing. Allele origin: germline.
Comment: In summary, the available evidence is currently insufficient to determine the role of this variant in disease. Therefore, it has been classified as a Variant of Uncertain Significance. Advanced modeling of protein sequence and biophysical properties (such as structural, functional, and spatial information, amino acid conservation, physicochemical variation, residue mobility, and thermodynamic stability) has been performed at Invitae for this missense variant, however the output from this modeling did not meet the statistical confidence thresholds required to predict the impact of this variant on DYNC1H1 protein function. ClinVar contains an entry for this variant (Variation ID: 2501420). This variant has not been reported in the literature in individuals affected with DYNC1H1-related conditions. This variant is not present in population databases (gnomAD no frequency). This sequence change replaces glutamine, which is neutral and polar, with histidine, which is basic and polar, at codon 707 of the DYNC1H1 protein (p.Gln707His).

GeneDx
Classification: Uncertain significance. Last evaluated: 2022-11-08. Review status: criteria provided, single submitter. Criteria: GeneDx Variant Classification Process June 2021. Collection method: clinical testing. Allele origin: germline. Affected: yes.
Comment: Not observed at significant frequency in large population cohorts (gnomAD); In silico analysis supports that this missense variant has a deleterious effect on protein structure/function; Has not been previously published as pathogenic or benign to our knowledge; This variant is associated with the following publications: (PMID: 25609763, 25512093, 26100331)

NM_001376.5(DYNC1H1):c.2121G>T (p.Gln707His)

Gene: DYNC1H1 (dynein cytoplasmic 1 heavy chain 1; plus strand). Cytogenetic location: 14q32.31.
Variant type: single nucleotide variant.
Coding change: c.2121G>T on transcript NM_001376.5 (MANE Select); coding-DNA position 2121, G replaced by T.
Protein change: p.Gln707His; replaces glutamine 707 with histidine.
Molecular consequence: missense variant.
Genome position (GRCh38, 1-based): chr14:101,986,346, G>T. VCF-style: chr14-101986346-G-T. GRCh37 (hg19) VCF-style: chr14-102452683-G-T.
Other names: short protein forms Q707H.
Identifiers: ClinVar variation 2501420 (VCV002501420.4), dbSNP rs1404360541, ClinGen allele CA391021047.